The following is an entry in ClinVar:

ClinVar aggregate classification (germline): Likely pathogenic. Review status: criteria provided, multiple submitters, no conflicts (2 of 4 stars). 4 submissions from 4 submitters: Likely pathogenic (4). Last evaluated 2023-06-26.

Conditions:
Hereditary cancer-predisposing syndrome. Also called: Neoplastic Syndromes, Hereditary; Tumor predisposition; Hereditary Cancer Syndrome; Hereditary neoplastic syndrome. Identifiers: Orphanet 140162, MedGen C0027672, MeSH D009386, MONDO:0015356.
Familial cancer of breast. Also called: BREAST CANCER, FAMILIAL; Hereditary breast cancer; hereditary breast carcinoma. Identifiers: Orphanet 227535, MedGen C0346153, MONDO:0016419, OMIM 114480. Disease mechanism: loss of function.

Submissions (4):

Myriad Genetics, Inc.
Classification: Likely pathogenic for Familial cancer of breast. Last evaluated: 2023-06-26. Review status: criteria provided, single submitter. Criteria: Myriad Autosomal Dominant, Autosomal Recessive and X-Linked Classification Criteria (2023). Collection method: clinical testing. Allele origin: unknown.
Comment: This variant is considered likely pathogenic. This variant occurs within a consensus splice junction and is predicted to result in abnormal mRNA splicing of either an out-of-frame exon or an in-frame exon necessary for protein stability and/or normal function.

Labcorp Genetics (formerly Invitae), Labcorp
Classification: Likely pathogenic for Familial cancer of breast. Last evaluated: 2021-12-24. Review status: criteria provided, single submitter. Criteria: Invitae Variant Classification Sherloc (09022015). Collection method: clinical testing. Allele origin: germline.
Comment: Disruption of this splice site has been observed in individual(s) with breast cancer, colorectal cancer, kidney cancer, and/or prostate cancer (PMID: 25186627, 29659569, 32906215). This sequence change affects an acceptor splice site in intron 4 of the CHEK2 gene. It is expected to disrupt RNA splicing. Variants that disrupt the donor or acceptor splice site typically lead to a loss of protein function (PMID: 16199547), and loss-of-function variants in CHEK2 are known to be pathogenic (PMID: 21876083, 24713400). This variant is not present in population databases (gnomAD no frequency). ClinVar contains an entry for this variant (Variation ID: 186800). Algorithms developed to predict the effect of sequence changes on RNA splicing suggest that this variant may disrupt the consensus splice site. In summary, the currently available evidence indicates that the variant is pathogenic, but additional data are needed to prove that conclusively. Therefore, this variant has been classified as Likely Pathogenic.

Baylor Genetics
Classification: Likely pathogenic for Familial cancer of breast. Last evaluated: 2021-03-26. Review status: criteria provided, single submitter. Criteria: ACMG Guidelines, 2015. Collection method: clinical testing. Allele origin: unknown.

Ambry Genetics
Classification: Likely pathogenic for Hereditary cancer-predisposing syndrome. Last evaluated: 2014-10-29. Review status: criteria provided, single submitter. Criteria: Ambry Variant Classification Scheme 2023. Collection method: clinical testing. Allele origin: germline.
Comment: The c.593-1G>A intronic variant, results from a G to A one nucleotide upstream from coding exon 4 of the CHEK2 gene. This variant was not reported in population based cohorts in the following databases: Database of Single Nucleotide Polymorphisms (dbSNP), NHLBI Exome Sequencing Project (ESP), and 1000 Genomes Project. In the ESP, this variant was not observed in 6448 samples (12896 alleles) with coverage at this position. To date, this alteration has been detected with an allele frequency of approximately 0.004% (greater than 26000 alleles tested) in our clinical cohort. This nucleotide position is highly conserved in available vertebrate species. Using the BDGP and ESEfinder splice site prediction tools, this alteration is predicted to abolish the acceptor splice site; however, direct evidence is unavailable. Alterations that disrupt the canonical splice acceptor site are typically deleterious in nature (ACMG Recommendations for Standards for Interpretation and Reporting of Sequence Variations. Revision 2007. Genet Med. 2008;10:294). As such, the c.593-1G>A variant is classified as likely pathogenic.

Literature cited by the submitters: PubMed 25186627 (cited by Labcorp Genetics (formerly Invitae), Labcorp); PubMed 29659569 (cited by Labcorp Genetics (formerly Invitae), Labcorp); PubMed 32906215 (cited by Labcorp Genetics (formerly Invitae), Labcorp); PubMed 16199547 (cited by Labcorp Genetics (formerly Invitae), Labcorp); PubMed 21876083 (cited by Labcorp Genetics (formerly Invitae), Labcorp); PubMed 24713400 (cited by Labcorp Genetics (formerly Invitae), Labcorp).

NM_007194.4(CHEK2):c.593-1G>A

Gene: CHEK2 (checkpoint kinase 2; minus strand). Cytogenetic location: 22q12.1.
Variant type: single nucleotide variant.
Coding change: c.593-1G>A on transcript NM_007194.4 (MANE Select); the canonical splice acceptor site of the intron before coding-DNA position 593, G replaced by A.
Molecular consequence: splice acceptor variant. On other transcripts: intron variant (1).
Genome position (GRCh38, 1-based): chr22:28,719,486, C>T on the plus strand (G>A on the coding strand, the complement: CHEK2 is on the minus strand). VCF-style: chr22-28719486-C-T. GRCh37 (hg19) VCF-style: chr22-29115474-C-T.
Other names: c.-71-1G>A (NM_001437942.1, NM_001257387.3); c.482+5400G>A (NM_001349956.3); c.593-1G>A (NM_145862.3); c.686-1G>A (NM_001438295.1, NM_001438293.1); c.722-1G>A (NM_001438294.1, NM_001005735.3).
Identifiers: ClinVar variation 186800 (VCV000186800.15), dbSNP rs786203229, ClinGen allele CA195907.
Genomic context (GRCh38, chr22:28,719,486, plus strand): 5'-CTCTTAATGCCTTAGGATAAACTGACTGATCATCTACAGTCAGATCAAAAAAGACAAAAA[C>T]TAAGGAAGAAAAGAGTAGAAATGGGTTTCATTAATTTATTCACAAGAGGCGATCACTGAT-3'